The following is an entry in ClinVar:

ClinVar aggregate classification (germline): Pathogenic (1 of 4 stars; one submission).

Conditions:
Joubert syndrome. Also called: CEREBELLOPARENCHYMAL DISORDER IV; JOUBERT-BOLTSHAUSER SYNDROME; Familial aplasia of the vermis. Identifiers: Orphanet 475, MedGen C5979921, MONDO:0018772.
Meckel-Gruber syndrome. Also called: DYSENCEPHALIA SPLANCHNOCYSTICA; GRUBER SYNDROME; Dysencephalia splachnocystica. Identifiers: Orphanet 564, MedGen C0265215, MONDO:0018921.

Submission:

Labcorp Genetics (formerly Invitae), Labcorp
Classification: Pathogenic for Joubert syndrome; Meckel-Gruber syndrome. Last evaluated: 2023-09-18. Review status: criteria provided, single submitter. Criteria: Invitae Variant Classification Sherloc (09022015). Collection method: clinical testing. Allele origin: germline.
Comment: For these reasons, this variant has been classified as Pathogenic. ClinVar contains an entry for this variant (Variation ID: 2023186). This variant has not been reported in the literature in individuals affected with RPGRIP1L-related conditions. This variant is not present in population databases (gnomAD no frequency). This sequence change creates a premature translational stop signal (p.Glu1054*) in the RPGRIP1L gene. It is expected to result in an absent or disrupted protein product. Loss-of-function variants in RPGRIP1L are known to be pathogenic (PMID: 17558409).

Literature cited by the submitters: PubMed 17558409.

NM_015272.5(RPGRIP1L):c.3160G>T (p.Glu1054Ter)

Gene: RPGRIP1L (RPGRIP1 like; minus strand). Cytogenetic location: 16q12.2.
Variant type: single nucleotide variant.
Coding change: c.3160G>T on transcript NM_015272.5 (MANE Select); coding-DNA position 3160, G replaced by T.
Protein change: p.Glu1054Ter; replaces glutamic acid 1054 with a stop codon.
Molecular consequence: nonsense.
Genome position (GRCh38, 1-based): chr16:53,637,755, C>A on the plus strand (G>T on the coding strand, the complement: RPGRIP1L is on the minus strand). VCF-style: chr16-53637755-C-A. GRCh37 (hg19) VCF-style: chr16-53671667-C-A.
Other names: c.3058G>T, p.Glu1020Ter (NM_001127897.4, NM_001330538.2); c.3160G>T, p.Glu1054Ter (NM_001308334.3); short protein forms E1020*, E1054*.
Identifiers: ClinVar variation 2023186 (VCV002023186.4), dbSNP rs987737814, ClinGen allele CA281369229.